The following is an entry in ClinVar:

ClinVar aggregate classification (germline): Uncertain significance (1 of 4 stars; one submission).

Conditions:
Seizures, benign familial infantile, 3 (BFIS3). Also called: CONVULSIONS, BENIGN FAMILIAL INFANTILE, 3; Familial neonatal seizures. Identifiers: Orphanet 140927, Orphanet 306, MedGen C1843140, MONDO:0011904, OMIM 607745.
Developmental and epileptic encephalopathy, 11 (DEE11). Also called: Early infantile epileptic encephalopathy 11. Identifiers: Orphanet 1934, MedGen C3150987, MONDO:0013388, OMIM 613721.

Submission:

Labcorp Genetics (formerly Invitae), Labcorp
Classification: Uncertain significance for Seizures, benign familial infantile, 3; Developmental and epileptic encephalopathy, 11. Last evaluated: 2023-01-24. Review status: criteria provided, single submitter. Criteria: Invitae Variant Classification Sherloc (09022015). Collection method: clinical testing. Allele origin: germline.
Comment: In summary, the available evidence is currently insufficient to determine the role of this variant in disease. Therefore, it has been classified as a Variant of Uncertain Significance. Advanced modeling of protein sequence and biophysical properties (such as structural, functional, and spatial information, amino acid conservation, physicochemical variation, residue mobility, and thermodynamic stability) performed at Invitae indicates that this missense variant is expected to disrupt SCN2A protein function. This variant has not been reported in the literature in individuals affected with SCN2A-related conditions. This variant is not present in population databases (gnomAD no frequency). This sequence change replaces phenylalanine, which is neutral and non-polar, with isoleucine, which is neutral and non-polar, at codon 184 of the SCN2A protein (p.Phe184Ile).

NM_001040142.2(SCN2A):c.550T>A (p.Phe184Ile)

Gene: SCN2A (sodium voltage-gated channel alpha subunit 2; plus strand). Cytogenetic location: 2q24.3.
Variant type: single nucleotide variant.
Coding change: c.550T>A on transcript NM_001040142.2 (MANE Select); coding-DNA position 550, T replaced by A.
Protein change: p.Phe184Ile; replaces phenylalanine 184 with isoleucine.
Molecular consequence: missense variant.
Genome position (GRCh38, 1-based): chr2:165,308,739, T>A. VCF-style: chr2-165308739-T-A. GRCh37 (hg19) VCF-style: chr2-166165249-T-A.
Other names: c.550T>A, p.Phe184Ile (NM_001040143.2, NM_001371246.1, NM_001371247.1 and 1 more transcripts); short protein forms F184I.
Identifiers: ClinVar variation 2943599 (VCV002943599.3), dbSNP rs2467884042, ClinGen allele CA349016485.
Genomic context (GRCh38, chr2:165,308,739, plus strand): 5'-GGAATTTATACTTTTGAATCACTTATTAAAATACTTGCAAGGGGCTTTTGTTTAGAAGAT[T>A]TCACATTTTTACGGGATCCATGGAATTGGTTGGATTTCACAGTCATTACTTTTGCGTAAG-3'
Protein context (NP_001035232.1, residues 174-194): ILARGFCLED[Phe184Ile]TFLRDPWNWL